The following is an entry in ClinVar:

NM_006904.7(PRKDC):c.7043A>G (p.Gln2348Arg)

Gene: PRKDC (protein kinase, DNA-activated, catalytic subunit; minus strand). Cytogenetic location: 8q11.21.
Variant type: single nucleotide variant.
Coding change: c.7043A>G on transcript NM_006904.7 (MANE Select); coding-DNA position 7043, A replaced by G.
Protein change: p.Gln2348Arg; replaces glutamine 2348 with arginine.
Molecular consequence: missense variant.
Genome position (GRCh38, 1-based): chr8:47,849,466, T>C on the plus strand (A>G on the coding strand, the complement: PRKDC is on the minus strand). VCF-style: chr8-47849466-T-C. GRCh37 (hg19) VCF-style: chr8-48762027-T-C.
Other names: c.7043A>G, p.Gln2348Arg (NM_001081640.2); short protein forms Q2348R.
Identifiers: ClinVar variation 1756850 (VCV001756850.2), dbSNP rs2551868744, ClinGen allele CA371157991.

ClinVar aggregate classification (germline): Uncertain significance (1 of 4 stars; one submission).

Allele frequency attached by ClinVar (database versions not stated): gnomAD exomes below 0.00001.
gnomAD v4.1: 4 of 1,614,036 alleles (0.00025%); highest among the groups gnomAD compares: Non-Finnish European, 0.00034%; no homozygotes.

Submission:

Ambry Genetics
Classification: Uncertain significance. Last evaluated: 2022-10-11. Review status: criteria provided, single submitter. Criteria: Ambry Variant Classification Scheme 2023. Collection method: clinical testing. Allele origin: germline.
Comment: The p.Q2348R variant (also known as c.7043A>G), located in coding exon 53 of the PRKDC gene, results from an A to G substitution at nucleotide position 7043. The glutamine at codon 2348 is replaced by arginine, an amino acid with highly similar properties. This amino acid position is conserved. Since supporting evidence is limited at this time, the clinical significance of this alteration remains unclear.